The following is an entry in ClinVar:

NM_000368.5(TSC1):c.2357G>A (p.Arg786Gln)

Gene: TSC1 (TSC complex subunit 1; minus strand). Cytogenetic location: 9q34.13.
Variant type: single nucleotide variant.
Coding change: c.2357G>A on transcript NM_000368.5 (MANE Select); coding-DNA position 2357, G replaced by A.
Protein change: p.Arg786Gln; replaces arginine 786 with glutamine.
Molecular consequence: missense variant.
Genome position (GRCh38, 1-based): chr9:132,902,639, C>T on the plus strand (G>A on the coding strand, the complement: TSC1 is on the minus strand). VCF-style: chr9-132902639-C-T. GRCh37 (hg19) VCF-style: chr9-135778026-C-T.
Other names: c.2354G>A, p.Arg785Gln (NM_001162426.2); c.2204G>A, p.Arg735Gln (NM_001162427.2); c.1994G>A, p.Arg665Gln (NM_001362177.2); short protein forms R786Q, R665Q, R785Q, R735Q.
Identifiers: ClinVar variation 569532 (VCV000569532.31), dbSNP rs1336228562, ClinGen allele CA375359294.

ClinVar aggregate classification (germline): Conflicting classifications of pathogenicity. Review status: criteria provided, conflicting classifications (1 of 4 stars). 7 submissions from 7 submitters: Uncertain significance (6); Likely benign (1). Last evaluated 2024-11-04.

Conditions:
Hereditary cancer-predisposing syndrome. Also called: Tumor predisposition; Hereditary Cancer Syndrome; Hereditary neoplastic syndrome; Neoplastic Syndromes, Hereditary. Identifiers: Orphanet 140162, MedGen C0027672, MeSH D009386, MONDO:0015356.
Tuberous sclerosis syndrome (TSC). Also called: Tuberous Sclerosis Complex; Tuberous sclerosis. Identifiers: Orphanet 805, MedGen C0041341, MONDO:0001734.
Tuberous sclerosis 1 (TSC1). Identifiers: Orphanet 805, MedGen C1854465, MONDO:0008612, OMIM 191100.

Allele frequency attached by ClinVar (database versions not stated): TOPMed below 0.00001; gnomAD 0.00003.

Submissions (7):

Labcorp Genetics (formerly Invitae), Labcorp
Classification: Likely benign for Tuberous sclerosis 1. Last evaluated: 2024-11-04. Review status: criteria provided, single submitter. Criteria: Invitae Variant Classification Sherloc (09022015). Collection method: clinical testing. Allele origin: germline.

CeGaT Center for Human Genetics Tuebingen
Classification: Uncertain significance. Last evaluated: 2024-09-01. Review status: criteria provided, single submitter. Criteria: CeGaT Center For Human Genetics Tuebingen Variant Classification Criteria Version 2. Collection method: clinical testing. Allele origin: germline. Affected: yes. Observed: 1 variant allele.
Comment: TSC1: PM2:Supporting

Ambry Genetics
Classification: Uncertain significance for Hereditary cancer-predisposing syndrome. Last evaluated: 2024-05-29. Review status: criteria provided, single submitter. Criteria: Ambry Variant Classification Scheme 2023. Collection method: clinical testing. Allele origin: germline.
Comment: The p.R786Q variant (also known as c.2357G>A), located in coding exon 16 of the TSC1 gene, results from a G to A substitution at nucleotide position 2357. The arginine at codon 786 is replaced by glutamine, an amino acid with highly similar properties. This amino acid position is highly conserved in available vertebrate species. In addition, the in silico prediction for this alteration is inconclusive. Based on the available evidence, the clinical significance of this variant remains unclear.

All of Us Research Program, National Institutes of Health
Classification: Uncertain significance for Tuberous sclerosis syndrome. Last evaluated: 2024-03-05. Review status: criteria provided, single submitter. Criteria: ACMG Guidelines, 2015. Collection method: clinical testing. Allele origin: germline. Inheritance: Autosomal dominant inheritance. Observed: 1 variant allele, 1 heterozygote.
Comment: This study involves interpretation of variants in research participants for the purpose of population health screening. Participant phenotype was not available at the time of variant classification. Additional details can be found in publication PMID: 35346344, PMCID: PMC8962531

Blueprint Genetics
Classification: Uncertain significance. Last evaluated: 2024-03-01. Review status: criteria provided, single submitter. Criteria: ACMG Guidelines, 2015. Collection method: clinical testing. Allele origin: germline.

Genome-Nilou Lab
Classification: Uncertain significance for Tuberous sclerosis 1. Last evaluated: 2021-11-07. Review status: criteria provided, single submitter. Criteria: ACMG Guidelines, 2015. Collection method: clinical testing. Allele origin: germline. Affected: no.

Illumina Laboratory Services, Illumina
Classification: Uncertain significance for Tuberous sclerosis 1. Last evaluated: 2020-01-13. Review status: criteria provided, single submitter. Criteria: ICSLVariantClassificationCriteria RUGD 01 April 2020. Collection method: clinical testing. Allele origin: unknown.
Comment: The TSC1 c.2357G>A (p.Arg786Gln) variant is a missense variant. A literature search was performed for the gene, cDNA change, and amino acid change. No publications were found based on this search. This variant is found at a frequency of 0.000065 in the European (non-Finnish) population of the Genome Aggregation Database in a region of good sequence coverage, but this is based on one allele only so the variant is presumed to be rare. Based on the limited evidence, the p.Arg786Gln is classified as a variant of unknown significance for tuberous sclerosis.